The following is an entry in ClinVar:

NM_001792.5(CDH2):c.2173A>G (p.Ile725Val)

Gene: CDH2 (cadherin 2; minus strand). Cytogenetic location: 18q12.1.
Variant type: single nucleotide variant.
Coding change: c.2173A>G on transcript NM_001792.5 (MANE Select); coding-DNA position 2173, A replaced by G.
Protein change: p.Ile725Val; replaces isoleucine 725 with valine.
Molecular consequence: missense variant.
Genome position (GRCh38, 1-based): chr18:27,985,036, T>C on the plus strand (A>G on the coding strand, the complement: CDH2 is on the minus strand). VCF-style: chr18-27985036-T-C. GRCh37 (hg19) VCF-style: chr18-25565000-T-C.
Other names: c.2080A>G, p.Ile694Val (NM_001308176.2); short protein forms I694V, I725V.
Identifiers: ClinVar variation 3221788 (VCV003221788.1), dbSNP rs1439874798, ClinGen allele CA402106726.

ClinVar aggregate classification (germline): Uncertain significance (1 of 4 stars; one submission).

Conditions:
Inborn genetic diseases. Identifiers: MedGen C0950123, MeSH D030342.

Allele frequency attached by ClinVar (database versions not stated): gnomAD exomes below 0.00001; TOPMed below 0.00001; gnomAD 0.00001.
gnomAD v4.1: 2 of 1,613,992 alleles (0.00012%); highest among the groups gnomAD compares: African/African-American, 0.0013%; no homozygotes.

Submission:

Ambry Genetics
Classification: Uncertain significance for Inborn genetic diseases. Last evaluated: 2023-10-29. Review status: criteria provided, single submitter. Criteria: Ambry Variant Classification Scheme 2023. Collection method: clinical testing. Allele origin: germline.
Comment: The p.I725V variant (also known as c.2173A>G), located in coding exon 13 of the CDH2 gene, results from an A to G substitution at nucleotide position 2173. The isoleucine at codon 725 is replaced by valine, an amino acid with highly similar properties. This amino acid position is conserved. In addition, the in silico prediction for this alteration is inconclusive. Since supporting evidence is limited at this time, the clinical significance of this alteration remains unclear.